The following is an entry in ClinVar:

NM_024656.4(COLGALT1):c.1267-7C>A

Gene: COLGALT1 (collagen beta(1-O)galactosyltransferase 1; plus strand). Cytogenetic location: 19p13.11.
Variant type: single nucleotide variant.
Coding change: c.1267-7C>A on transcript NM_024656.4 (MANE Select); 7 bases into the intron before coding-DNA position 1267, C replaced by A.
Molecular consequence: intron variant.
Genome position (GRCh38, 1-based): chr19:17,579,475, C>A. VCF-style: chr19-17579475-C-A. GRCh37 (hg19) VCF-style: chr19-17690284-C-A.
Identifiers: ClinVar variation 2128193 (VCV002128193.4), dbSNP rs575790491, ClinGen allele CA9297245.
Genomic context (GRCh38, chr19:17,579,475, plus strand): 5'-AGCTCTGTGCTTTAGGGTCAGGCCTGGCCTTGGCCTCCCTGTGATGTGGCGGGGCTTCCT[C>A]CCTCAGGTGGTGGACCGGGGGCTGCAGAAATCGCTTGTGTTTGAGGATGACCTGCGTTTT-3'

ClinVar aggregate classification (germline): Uncertain significance (1 of 4 stars; one submission).

Allele frequency attached by ClinVar (database versions not stated): gnomAD 0.00001; ExAC 0.00002; 1000 Genomes Project 30x 0.00016; 1000 Genomes Project 0.00020.

Submission:

Labcorp Genetics (formerly Invitae), Labcorp
Classification: Uncertain significance. Last evaluated: 2022-10-24. Review status: criteria provided, single submitter. Criteria: Invitae Variant Classification Sherloc (09022015). Collection method: clinical testing. Allele origin: germline.
Comment: This sequence change falls in intron 9 of the COLGALT1 gene. It does not directly change the encoded amino acid sequence of the COLGALT1 protein. In summary, the available evidence is currently insufficient to determine the role of this variant in disease. Therefore, it has been classified as a Variant of Uncertain Significance. Algorithms developed to predict the effect of sequence changes on RNA splicing suggest that this variant may create or strengthen a splice site. This variant has not been reported in the literature in individuals affected with COLGALT1-related conditions. The frequency data for this variant in the population databases is considered unreliable, as metrics indicate poor data quality at this position in the gnomAD database.